The following is an entry in ClinVar:

ClinVar aggregate classification (germline): Pathogenic (1 of 4 stars; one submission).

Conditions:
Multiple endocrine neoplasia, type 1 (MEN1). Also called: MEN I; WERMER SYNDROME; Endocrine adenomatosis multiple; MEN 1; MEA I. Identifiers: Orphanet 652, MedGen C0025267, MeSH D018761, MONDO:0007540, OMIM 131100.

Submission:

Labcorp Genetics (formerly Invitae), Labcorp
Classification: Pathogenic for Multiple endocrine neoplasia, type 1. Last evaluated: 2016-01-16. Review status: criteria provided, single submitter. Criteria: Invitae Variant Classification Sherloc (09022015). Collection method: clinical testing. Allele origin: germline.
Comment: For these reasons, this variant has been classified as Pathogenic. While this particular variant has not been reported in the literature, truncating variants in MEN1 are known to be pathogenic (PMID: 9103196, 17879353). This sequence change deletes 1 nucleotide from exon 3 of the MEN1 mRNA (c.633delC), causing a frameshift at codon 212. This creates a premature translational stop signal (p.Asn212Metfs*12) and is expected to result in an absent or disrupted protein product.

Literature cited by the submitters: PubMed 9103196; PubMed 17879353.

NM_001370259.2(MEN1):c.633del (p.Asn212fs)

Gene: MEN1 (menin 1; minus strand). Cytogenetic location: 11q13.1.
Variant type: Deletion.
Coding change: c.633del on transcript NM_001370259.2 (MANE Select); coding-DNA position 633, one base deleted (C; older notation c.633delC).
Protein change: p.Asn212fs; shifts the reading frame from asparagine 212.
Molecular consequence: frameshift variant. On other transcripts: intron variant (2).
Genome position (GRCh38, 1-based): chr11:64,807,912, G deleted on the plus strand (C on the coding strand, the reverse complement: MEN1 is on the minus strand). VCF-style (leftmost placement, unchanged base first): chr11-64807911-TG-T. GRCh37 (hg19) VCF-style: chr11-64575383-TG-T.
Other names: c.633delC (NM_130799.2); c.648del, p.Asn217fs (NM_000244.4, NM_130800.3, NM_130801.3 and 3 more transcripts); c.633del, p.Asn212fs (NM_001370251.2, NM_001370260.2, NM_001370261.2 and 1 more transcripts); c.549+84del (NM_001370263.2, NM_001370262.2); short protein forms N217fs, N212fs.
Identifiers: ClinVar variation 241818 (VCV000241818.8), dbSNP rs878855196, ClinGen allele CA10582940.
Genomic context (GRCh38, chr11:64,807,911, plus strand): 5'-ACAGTATGAAGGGGACAAGGCTGGGGGGAGGGAACAATACCCGCTCAGCCACACCGGCAT[TG>T]ACTGTCTGGCCCCTGCGGTCCTCGTTGCCCTTGCCGTGCCAGGTGACCTCAGCTGTCTGC-3'